The following is an entry in ClinVar:

NM_018297.4(NGLY1):c.492+6G>A

Gene: NGLY1 (N-glycanase 1; minus strand). Cytogenetic location: 3p24.2.
Variant type: single nucleotide variant.
Coding change: c.492+6G>A on transcript NM_018297.4 (MANE Select); 6 bases into the intron after coding-DNA position 492, G replaced by A.
Molecular consequence: intron variant.
Genome position (GRCh38, 1-based): chr3:25,764,060, C>T on the plus strand (G>A on the coding strand, the complement: NGLY1 is on the minus strand). VCF-style: chr3-25764060-C-T. GRCh37 (hg19) VCF-style: chr3-25805551-C-T.
Other names: c.366+6G>A (NM_001145294.2); c.492+6G>A (NM_001145295.2, NM_001145293.2).
Identifiers: ClinVar variation 507010 (VCV000507010.8), dbSNP rs200608265, ClinGen allele CA2289473.

ClinVar aggregate classification (germline): Conflicting classifications of pathogenicity. Review status: criteria provided, conflicting classifications (1 of 4 stars). 2 submissions from 2 submitters: Uncertain significance (1); Likely benign (1). Last evaluated 2022-10-28.

Conditions:
Congenital disorder of deglycosylation (CDDG). Identifiers: MedGen C3808991, MONDO:0031376.

Allele frequency attached by ClinVar (database versions not stated): ESP Exome Variant Server 0.00031; 1000 Genomes Project 0.00040; gnomAD exomes 0.00004 and 0.00006; ExAC 0.00008; gnomAD 0.00022; TOPMed 0.00028; 1000 Genomes Project 30x 0.00031.
gnomAD v4.1: 98 of 1,613,782 alleles (0.0061%); highest among the groups gnomAD compares: African/African-American, 0.079%; no homozygotes.

Submissions (2):

Labcorp Genetics (formerly Invitae), Labcorp
Classification: Uncertain significance for Congenital disorder of deglycosylation. Last evaluated: 2022-10-28. Review status: criteria provided, single submitter. Criteria: Invitae Variant Classification Sherloc (09022015). Collection method: clinical testing. Allele origin: germline.
Comment: This sequence change falls in intron 3 of the NGLY1 gene. It does not directly change the encoded amino acid sequence of the NGLY1 protein. It affects a nucleotide within the consensus splice site. This variant is present in population databases (rs200608265, gnomAD 0.07%). This variant has not been reported in the literature in individuals affected with NGLY1-related conditions. ClinVar contains an entry for this variant (Variation ID: 507010). Variants that disrupt the consensus splice site are a relatively common cause of aberrant splicing (PMID: 17576681, 9536098). Algorithms developed to predict the effect of sequence changes on RNA splicing suggest that this variant is not likely to affect RNA splicing. In summary, the available evidence is currently insufficient to determine the role of this variant in disease. Therefore, it has been classified as a Variant of Uncertain Significance.

GeneDx
Classification: Likely benign. Last evaluated: 2021-01-29. Review status: criteria provided, single submitter. Criteria: GeneDx Variant Classification Process June 2021. Collection method: clinical testing. Allele origin: germline. Affected: yes.

Literature cited by the submitters: PubMed 17576681 (cited by Labcorp Genetics (formerly Invitae), Labcorp); PubMed 9536098 (cited by Labcorp Genetics (formerly Invitae), Labcorp).